The following is an entry in ClinVar:

ClinVar aggregate classification (germline): Pathogenic (1 of 4 stars; one submission).

Submission:

GeneDx
Classification: Pathogenic. Last evaluated: 2018-06-14. Review status: criteria provided, single submitter. Criteria: GeneDx Variant Classification (06012015). Collection method: clinical testing. Allele origin: germline. Affected: yes.
Comment: This variant is denoted SMAD4 c.903C>G at the cDNA level and p.Tyr301Ter (Y301X) at the protein level. The substitution creates a nonsense variant, which changes a Tyrosine to a premature stop codon (TAC>TAG), and is predicted to cause loss of normal protein function through either protein truncation or nonsense-mediated mRNA decay. Although this variant has not, to our knowledge, been reported in the literature, the adjacent variant SMAD4 c.902_903insA, which also results in a premature stop codon at this residue (p.Tyr301Ter), was observed in an individual with multiple juvenile and hyperplastic polyps (Ngeow 2013). Of note, the latter individual also carried a second truncating SMAD4 variant located downstream of Tyr301Ter. We consider SMAD4 Tyr301Ter to be pathogenic.

NM_005359.6(SMAD4):c.903C>G (p.Tyr301Ter)

Gene: SMAD4 (SMAD family member 4; plus strand). Cytogenetic location: 18q21.2.
Variant type: single nucleotide variant.
Coding change: c.903C>G on transcript NM_005359.6 (MANE Select); coding-DNA position 903, C replaced by G.
Protein change: p.Tyr301Ter; replaces tyrosine 301 with a stop codon.
Molecular consequence: nonsense.
Genome position (GRCh38, 1-based): chr18:51,058,455, C>G. VCF-style: chr18-51058455-C-G. GRCh37 (hg19) VCF-style: chr18-48584825-C-G.
Other names: short protein forms Y301*.
Identifiers: ClinVar variation 422800 (VCV000422800.2), dbSNP rs746084369, ClinGen allele CA16620705.